The following is an entry in ClinVar:

NM_002485.5(NBN):c.175C>G (p.Gln59Glu)

Gene: NBN (nibrin; minus strand). Cytogenetic location: 8q21.3.
Variant type: single nucleotide variant.
Coding change: c.175C>G on transcript NM_002485.5 (MANE Select); coding-DNA position 175, C replaced by G.
Protein change: p.Gln59Glu; replaces glutamine 59 with glutamic acid.
Molecular consequence: missense variant. On other transcripts: 5 prime UTR variant (1).
Genome position (GRCh38, 1-based): chr8:89,981,520, G>C on the plus strand (C>G on the coding strand, the complement: NBN is on the minus strand). VCF-style: chr8-89981520-G-C. GRCh37 (hg19) VCF-style: chr8-90993748-G-C.
Other names: c.-72C>G (NM_001024688.3); short protein forms Q59E.
Identifiers: ClinVar variation 1401122 (VCV001401122.10), dbSNP rs1554568427, ClinGen allele CA371662639.

ClinVar aggregate classification (germline): Uncertain significance. Review status: criteria provided, multiple submitters, no conflicts (2 of 4 stars). 2 submissions from 2 submitters: Uncertain significance (2). Last evaluated 2023-09-01.

Conditions:
Microcephaly, normal intelligence and immunodeficiency (NBS). Also called: Microcephaly with normal intelligence immunodeficiency and lymphoreticular malignancies; Nonsyndromal microcephaly autosomal recessive with normal intelligence; Seemanova syndrome 2; Immunodeficiency, microcephaly with normal intelligence; BERLIN BREAKAGE SYNDROME; SEEMANOVA SYNDROME II. Identifiers: Orphanet 647, MedGen C0398791, MONDO:0009623, OMIM 251260.

Allele frequency attached by ClinVar (database versions not stated): gnomAD exomes below 0.00001; TOPMed below 0.00001.
gnomAD v4.1: 1 of 1,612,900 alleles (0.000062%); highest among the groups gnomAD compares: South Asian, 0.0011%; no homozygotes.

Submissions (2):

Labcorp Genetics (formerly Invitae), Labcorp
Classification: Uncertain significance for Microcephaly, normal intelligence and immunodeficiency. Last evaluated: 2023-09-01. Review status: criteria provided, single submitter. Criteria: Invitae Variant Classification Sherloc (09022015). Collection method: clinical testing. Allele origin: germline.
Comment: ClinVar contains an entry for this variant (Variation ID: 1401122). In summary, the available evidence is currently insufficient to determine the role of this variant in disease. Therefore, it has been classified as a Variant of Uncertain Significance. An algorithm developed to predict the effect of missense changes on protein structure and function (PolyPhen-2) suggests that this variant is likely to be tolerated. This variant has not been reported in the literature in individuals affected with NBN-related conditions. This variant is not present in population databases (gnomAD no frequency). This sequence change replaces glutamine, which is neutral and polar, with glutamic acid, which is acidic and polar, at codon 59 of the NBN protein (p.Gln59Glu).

GeneDx
Classification: Uncertain significance. Last evaluated: 2022-07-11. Review status: criteria provided, single submitter. Criteria: GeneDx Variant Classification Process June 2021. Collection method: clinical testing. Allele origin: germline. Affected: yes.
Comment: Not observed at significant frequency in large population cohorts (gnomAD); In silico analysis supports that this missense variant does not alter protein structure/function; Has not been previously published as pathogenic or benign to our knowledge; This variant is associated with the following publications: (PMID: 24894818)